The following is an entry in ClinVar:

NM_018993.4(RIN2):c.614C>T (p.Ala205Val)

Gene: RIN2 (Ras and Rab interactor 2; plus strand). Cytogenetic location: 20p11.23.
Variant type: single nucleotide variant.
Coding change: c.614C>T on transcript NM_018993.4 (MANE Select); coding-DNA position 614, C replaced by T.
Protein change: p.Ala205Val; replaces alanine 205 with valine.
Molecular consequence: missense variant. On other transcripts: 5 prime UTR variant (1).
Genome position (GRCh38, 1-based): chr20:19,970,915, C>T. VCF-style: chr20-19970915-C-T. GRCh37 (hg19) VCF-style: chr20-19951559-C-T.
Other names: c.761C>T, p.Ala254Val (NM_001242581.2); c.-5C>T (NM_001378238.1); c.614C>T (NM_018993.3); short protein forms A205V, A254V.
Identifiers: ClinVar variation 2142564 (VCV002142564.2), dbSNP rs547787195, ClinGen allele CA9779879.

ClinVar aggregate classification (germline): Uncertain significance. Review status: criteria provided, multiple submitters, no conflicts (2 of 4 stars). 2 submissions from 2 submitters: Uncertain significance (2). Last evaluated 2022-05-20.

Conditions:
Inborn genetic diseases. Identifiers: MedGen C0950123, MeSH D030342.

Allele frequency attached by ClinVar (database versions not stated): ExAC 0.00001; gnomAD exomes 0.00001; gnomAD 0.00002; TOPMed 0.00002; 1000 Genomes Project 30x 0.00016; 1000 Genomes Project 0.00020.
gnomAD v4.1: 19 of 1,612,300 alleles (0.0012%); highest among the groups gnomAD compares: Non-Finnish European, 0.0016%; no homozygotes.

Submissions (2):

Labcorp Genetics (formerly Invitae), Labcorp
Classification: Uncertain significance. Last evaluated: 2022-05-20. Review status: criteria provided, single submitter. Criteria: Invitae Variant Classification Sherloc (09022015). Collection method: clinical testing. Allele origin: germline.
Comment: This sequence change replaces alanine, which is neutral and non-polar, with valine, which is neutral and non-polar, at codon 205 of the RIN2 protein (p.Ala205Val). This variant is present in population databases (rs547787195, gnomAD 0.003%). This variant has not been reported in the literature in individuals affected with RIN2-related conditions. Algorithms developed to predict the effect of missense changes on protein structure and function are either unavailable or do not agree on the potential impact of this missense change (SIFT: "Deleterious"; PolyPhen-2: "Not Available"; Align-GVGD: "Class C0"). In summary, the available evidence is currently insufficient to determine the role of this variant in disease. Therefore, it has been classified as a Variant of Uncertain Significance.

Ambry Genetics
Classification: Uncertain significance for Inborn genetic diseases. Last evaluated: 2022-05-01. Review status: criteria provided, single submitter. Criteria: Ambry Variant Classification Scheme 2023. Collection method: clinical testing. Allele origin: germline.